The following is an entry in ClinVar:

ClinVar aggregate classification (germline): Uncertain significance (1 of 4 stars; one submission).

Conditions:
Hereditary cancer-predisposing syndrome. Also called: Tumor predisposition; Hereditary Cancer Syndrome; Neoplastic Syndromes, Hereditary; Hereditary neoplastic syndrome. Identifiers: Orphanet 140162, MedGen C0027672, MeSH D009386, MONDO:0015356.

Submission:

Ambry Genetics
Classification: Uncertain significance for Hereditary cancer-predisposing syndrome. Last evaluated: 2024-09-26. Review status: criteria provided, single submitter. Criteria: Ambry Variant Classification Scheme 2023. Collection method: clinical testing. Allele origin: germline.
Comment: The p.E92A variant (also known as c.275A>C), located in coding exon 2 of the MSH3 gene, results from an A to C substitution at nucleotide position 275. The glutamic acid at codon 92 is replaced by alanine, an amino acid with dissimilar properties. This amino acid position is conserved. In addition, this alteration is predicted to be tolerated by in silico analysis. Since supporting evidence is limited at this time, the clinical significance of this alteration remains unclear.

NM_002439.5(MSH3):c.275A>C (p.Glu92Ala)

Gene: MSH3 (mutS homolog 3; plus strand). Cytogenetic location: 5q14.1.
Variant type: single nucleotide variant.
Coding change: c.275A>C on transcript NM_002439.5 (MANE Select); coding-DNA position 275, A replaced by C.
Protein change: p.Glu92Ala; replaces glutamic acid 92 with alanine.
Molecular consequence: missense variant.
Genome position (GRCh38, 1-based): chr5:80,656,448, A>C. VCF-style: chr5-80656448-A-C. GRCh37 (hg19) VCF-style: chr5-79952267-A-C.
Other names: short protein forms E92A.
Identifiers: ClinVar variation 1795650 (VCV001795650.3), dbSNP rs2546712163, ClinGen allele CA360266221.